The following is an entry in ClinVar:

ClinVar aggregate classification (germline): Conflicting classifications of pathogenicity. Review status: criteria provided, conflicting classifications (1 of 4 stars). 4 submissions from 4 submitters: Uncertain significance (3); Likely benign (1). Last evaluated 2026-08-12.

Conditions:
ADGRV1-related disorder. Also called: ADGRV1-related condition; ADGRV1-related disorders.
Inborn genetic diseases. Identifiers: MedGen C0950123, MeSH D030342.

Allele frequency attached by ClinVar (database versions not stated): gnomAD exomes 0.00002 and 0.00004; TOPMed 0.00002; ExAC 0.00003.

Submissions (4):

GeneDx
Classification: Uncertain significance. Last evaluated: 2026-08-12. Review status: criteria provided, single submitter. Criteria: GeneDx Variant Classification Process June 2021. Collection method: clinical testing. Allele origin: germline.
Comment: In silico analysis suggests that this missense variant does not alter protein structure/function; Has not been previously published as pathogenic or benign to our knowledge

PreventionGenetics, part of Exact Sciences
Classification: Uncertain significance for ADGRV1-related condition. Last evaluated: 2025-02-05. Review status: criteria provided, single submitter. Criteria: ACMG Guidelines, 2015. Collection method: clinical testing. Allele origin: germline.
Comment: The ADGRV1 c.5833A>G variant is predicted to result in the amino acid substitution p.Lys1945Glu. To our knowledge, this variant has not been reported in the literature. This variant is reported in 0.029% of alleles in individuals of Latino descent in gnomAD. At this time, the clinical significance of this variant is uncertain due to the absence of conclusive functional and genetic evidence.

Labcorp Genetics (formerly Invitae), Labcorp
Classification: Likely benign. Last evaluated: 2024-03-07. Review status: criteria provided, single submitter. Criteria: Invitae Variant Classification Sherloc (09022015). Collection method: clinical testing. Allele origin: germline.

Ambry Genetics
Classification: Uncertain significance for Inborn genetic diseases. Last evaluated: 2022-08-01. Review status: criteria provided, single submitter. Criteria: Ambry Variant Classification Scheme 2023. Collection method: clinical testing. Allele origin: germline.

NM_032119.4(ADGRV1):c.5833A>G (p.Lys1945Glu)

Gene: ADGRV1 (adhesion G protein-coupled receptor V1; plus strand). Cytogenetic location: 5q14.3.
Variant type: single nucleotide variant.
Coding change: c.5833A>G on transcript NM_032119.4 (MANE Select); coding-DNA position 5833, A replaced by G.
Protein change: p.Lys1945Glu; replaces lysine 1945 with glutamic acid.
Molecular consequence: missense variant. On other transcripts: non-coding transcript variant (1).
Genome position (GRCh38, 1-based): chr5:90,683,754, A>G. VCF-style: chr5-90683754-A-G. GRCh37 (hg19) VCF-style: chr5-89979571-A-G.
Other names: short protein forms K1945E.
Identifiers: ClinVar variation 1496995 (VCV001496995.13), dbSNP rs772605124, ClinGen allele CA3339673.
Genomic context (GRCh38, chr5:90,683,754, plus strand): 5'-GGGCAGACGAGCGCCAATATCACTGTGGAGATATTGCCTGACGAAGACCCAGAACTGGAT[A>G]AGGCATTCTCTGTGTCAGTCCTCAGTGTTTCCAGTGGTTCTTTGGGAGCTCATATTAATG-3'
Protein context (NP_115495.3, residues 1935-1955): ILPDEDPELD[Lys1945Glu]AFSVSVLSVS